The following is an entry in ClinVar:

NM_000549.5(TSHB):c.226_227del (p.Asp76fs)

Gene: TSHB (thyroid stimulating hormone subunit beta; plus strand). Cytogenetic location: 1p13.2.
Variant type: Microsatellite.
Coding change: c.226_227del on transcript NM_000549.5 (MANE Select); coding-DNA positions 226 to 227, 2 bases deleted (GA; older notation c.226_227delGA).
Protein change: p.Asp76fs; shifts the reading frame from aspartic acid 76.
Molecular consequence: frameshift variant.
Genome position (GRCh38, 1-based): chr1:115,034,036-115,034,037, GA deleted; deleting any 2 consecutive bases within chr1:115,034,033-115,034,037 gives the same sequence; the c. name uses the placement nearest the transcript's 3' end. VCF-style (leftmost placement, unchanged base first): chr1-115034032-TAG-T. GRCh37 (hg19) VCF-style: chr1-115576653-TAG-T.
Other names: c.91_92del, p.Asp31fs (NM_001277991.1); short protein forms D76fs, D31fs.
Identifiers: ClinVar variation 3691392 (VCV003691392.2).

ClinVar aggregate classification (germline): Pathogenic (1 of 4 stars; one submission).

Submission:

Labcorp Genetics (formerly Invitae), Labcorp
Classification: Pathogenic. Last evaluated: 2024-02-06. Review status: criteria provided, single submitter. Criteria: Invitae Variant Classification Sherloc (09022015). Collection method: clinical testing. Allele origin: germline.
Comment: This sequence change creates a premature translational stop signal (p.Asp76Leufs*28) in the TSHB gene. While this is not anticipated to result in nonsense mediated decay, it is expected to disrupt the last 63 amino acid(s) of the TSHB protein. This variant is not present in population databases (gnomAD no frequency). This variant has not been reported in the literature in individuals affected with TSHB-related conditions. This variant disrupts a region of the TSHB protein in which other variant(s) (p.Cys125Valfs*10) have been determined to be pathogenic (PMID: 22606512, 27362444). This suggests that this is a clinically significant region of the protein, and that variants that disrupt it are likely to be disease-causing. For these reasons, this variant has been classified as Pathogenic.

Literature cited by the submitters: PubMed 22606512; PubMed 27362444.